The following is an entry in ClinVar:

NM_018975.4(TERF2IP):c.38G>A (p.Gly13Glu)

Gene: TERF2IP (TERF2 interacting protein; plus strand). Cytogenetic location: 16q23.1.
Variant type: single nucleotide variant.
Coding change: c.38G>A on transcript NM_018975.4 (MANE Select); coding-DNA position 38, G replaced by A.
Protein change: p.Gly13Glu; replaces glycine 13 with glutamic acid.
Molecular consequence: missense variant. On other transcripts: non-coding transcript variant (1).
Genome position (GRCh38, 1-based): chr16:75,647,920, G>A. VCF-style: chr16-75647920-G-A. GRCh37 (hg19) VCF-style: chr16-75681818-G-A.
Other names: short protein forms G13E.
Identifiers: ClinVar variation 2625591 (VCV002625591.2), dbSNP rs2507072190, ClinGen allele CA396817099.

ClinVar aggregate classification (germline): Uncertain significance (1 of 4 stars; one submission).

Allele frequency attached by ClinVar (database versions not stated): gnomAD exomes below 0.00001.

Submission:

Ambry Genetics
Classification: Uncertain significance. Last evaluated: 2023-07-27. Review status: criteria provided, single submitter. Criteria: Ambry Variant Classification Scheme 2023. Collection method: clinical testing. Allele origin: germline.
Comment: The p.G13E variant (also known as c.38G>A), located in coding exon 1 of the TERF2IP gene, results from a G to A substitution at nucleotide position 38. The glycine at codon 13 is replaced by glutamic acid, an amino acid with similar properties. This amino acid position is conserved. In addition, this alteration is predicted to be tolerated by in silico analysis. Since supporting evidence is limited at this time, the clinical significance of this alteration remains unclear.